The following is an entry in ClinVar:

ClinVar aggregate classification (germline): Uncertain significance. Review status: reviewed by expert panel (3 of 4 stars). 3 submissions from 3 submitters: Uncertain significance (1). 2 of the submissions do not count toward it. Last evaluated 2024-07-30.

Conditions:
Generalized epilepsy with febrile seizures plus. Also called: Generalized Epilepsy with Febrile Seizures Plus (GEFS+). Identifiers: Orphanet 36387, MedGen C3502809, MONDO:0018214.

Submissions (3):

ClinGen Epilepsy Sodium Channel Variant Curation Expert Panel, Clingen
Classification: Uncertain significance for Generalized epilepsy with febrile seizures plus. Last evaluated: 2024-07-30. Review status: reviewed by expert panel. Criteria: ClinGen EpilepsySCN ACMG Specifications SCN1A V1.0.0. Collection method: curation. Allele origin: germline. Inheritance: Autosomal dominant inheritance.
Comment: The c.2941C>A variant in SCN1A is a missense variant predicted to cause substitution of leucine by isoleucine at amino acid 981 (p.Leu981Ile). This variant has not been reported in the published literature to date. The variant is absent in gnomAD (v2.1.1) (PM2_supporting). The computational predictor REVEL gives a score of 0.843 (PP3). Another missense variant (c.2942T>C (p.Leu981Pro) in the same codon of the same gene has been reported in a patient with Dravet syndrome (PMIDs: 28012175). However, this variant has not yet met the criteria to be classified as pathogenic or likely pathogenic by ClinGen (Epilepsy Sodium Channel VCEP). In summary, this variant meets the criteria to be classified as Variant of Uncertain Significance for autosomal dominant SCN1A-related disorder, based on the ACMG/AMP criteria applied, as specified by the ClinGen Epilepsy Sodium Channel VCEP: PM2_supporting, PP3 (version 1.0, approved July 23, 2024).

GeneDx
Classification: Likely pathogenic. Last evaluated: 2016-06-21. Review status: criteria provided, single submitter. Criteria: GeneDx Variant Classification (06012015). Collection method: clinical testing. Allele origin: germline. Affected: yes. Not counted in ClinVar's aggregate classification.
Comment: The L981I variant in the SCN1A gene has not been reported previously as a pathogenic variant, nor as a benign variant, to our knowledge. This variant was not observed in approximately 6500 individuals of European and African American ancestry in the NHLBI Exome Sequencing Project, indicating it is not a common benign variant in these populations. The L981I variant is a conservative amino acid substitution, which is not likely to impact secondary protein structure as these residues share similar properties. However, this substitution occurs within the transmembrane segment S6 of the second homologous domain at a position that is conserved across species. Additionally, in silico analysis predicts this variant is probably damaging to the protein structure/function. Missense variants in nearby residues (M976I, V977M, G979E, G979R, V982L, V983A, N985I, L986P, L986F) have been reported in the Human Gene Mutation Database in association with SCN1A-related disorders (Stenson et al., 2014), supporting the functional importance of this region of the protein. The L981I variant is a strong candidate for a pathogenic variant, however the possibility it may be a rare benign variant cannot be excluded.

Women's Health and Genetics/Laboratory Corporation of America, LabCorp
Classification: Uncertain significance. Last evaluated: 2016-01-01. Review status: criteria provided, single submitter. Criteria: LabCorp Variant Classification Summary - May 2015. Collection method: clinical testing. Allele origin: germline. Not counted in ClinVar's aggregate classification.
Comment: Variant summary: This c.2941C>A variant affects a conserved nucleotide, resulting in conservative amino acid change from Leu to Ile. 4/5 in-silico tools predict this variant to be damaging. This variant was not found in approximately 121410 chromosomes from broad and large populations from ExAC. To our knowledge, the variant has not been reported in affected individuals via publications and/or reputable databases/clinical laboratories, nor evaluated for functional impact by in vivo/vitro studies. Because of the absence of clinical information and the lack of functional studies, the variant has currently been classified as a variant of uncertain significance (VUS) until additional information becomes available.

NM_001165963.4(SCN1A):c.2941C>A (p.Leu981Ile)

Gene: SCN1A (sodium voltage-gated channel alpha subunit 1; minus strand). Cytogenetic location: 2q24.3.
Variant type: single nucleotide variant.
Coding change: c.2941C>A on transcript NM_001165963.4 (MANE Select); coding-DNA position 2941, C replaced by A.
Protein change: p.Leu981Ile; replaces leucine 981 with isoleucine.
Molecular consequence: missense variant. On other transcripts: non-coding transcript variant (1).
Genome position (GRCh38, 1-based): chr2:166,037,781, G>T on the plus strand (C>A on the coding strand, the complement: SCN1A is on the minus strand). VCF-style: chr2-166037781-G-T. GRCh37 (hg19) VCF-style: chr2-166894291-G-T.
Other names: NM_001165963.4(SCN1A):c.2941C>A; p.Leu981Ile; c.2857C>A, p.Leu953Ile (NM_001165964.3, NM_001353957.2, NM_001353958.2); c.2941C>A, p.Leu981Ile (NM_001202435.3, NM_001353948.2); c.2908C>A, p.Leu970Ile (NM_001353949.2, NM_001353950.2, NM_001353951.2 and 2 more transcripts); c.2905C>A, p.Leu969Ile (NM_001353954.2, NM_001353955.2); c.2854C>A, p.Leu952Ile (NM_001353960.2); c.499C>A, p.Leu167Ile (NM_001353961.2); short protein forms L970I, L981I, L167I, L953I, L969I, L952I.
Identifiers: ClinVar variation 372977 (VCV000372977.3), dbSNP rs1057518112, ClinGen allele CA16042438.
Genomic context (GRCh38, chr2:166,037,781, plus strand): 5'-ATACATGTGCCATGCTGGTGTATTTCCAAAATGCATATCTTAAGTGGGTACATACCACTA[G>T]GTTTCCAATCACCATGACCATCATGAAGACAGTAAGGCACATGGCTTGACCAGCAACCTC-3'
Protein context (NP_001159435.1, residues 971-991): VFMMVMVIGN[Leu981Ile]VVLNLFLALL